The following is an entry in ClinVar:

ClinVar aggregate classification (germline): Uncertain significance (1 of 4 stars; one submission).

Conditions:
Familial thoracic aortic aneurysm and aortic dissection (TAAD). Also called: Thoracic aortic aneurysms and dissections. Identifiers: Orphanet 91387, MedGen C4707243, MONDO:0019625.

Submission:

Ambry Genetics
Classification: Uncertain significance for Familial thoracic aortic aneurysm and aortic dissection. Last evaluated: 2024-04-18. Review status: criteria provided, single submitter. Criteria: Ambry Variant Classification Scheme 2023. Collection method: clinical testing. Allele origin: germline.
Comment: The p.G479R variant (also known as c.1435G>C), located in coding exon 11 of the FBN1 gene, results from a G to C substitution at nucleotide position 1435. The glycine at codon 479 is replaced by arginine, an amino acid with dissimilar properties. This amino acid position is highly conserved in available vertebrate species. In addition, this alteration is predicted to be deleterious by in silico analysis. Based on the available evidence, the clinical significance of this variant remains unclear.

NM_000138.5(FBN1):c.1435G>C (p.Gly479Arg)

Gene: FBN1 (fibrillin 1; minus strand). Cytogenetic location: 15q21.1.
Variant type: single nucleotide variant.
Coding change: c.1435G>C on transcript NM_000138.5 (MANE Select); coding-DNA position 1435, G replaced by C.
Protein change: p.Gly479Arg; replaces glycine 479 with arginine.
Molecular consequence: missense variant.
Genome position (GRCh38, 1-based): chr15:48,515,420, C>G on the plus strand (G>C on the coding strand, the complement: FBN1 is on the minus strand). VCF-style: chr15-48515420-C-G. GRCh37 (hg19) VCF-style: chr15-48807617-C-G.
Other names: c.1435G>C, p.Gly479Arg (NM_001406716.1); short protein forms G479R.
Identifiers: ClinVar variation 3277945 (VCV003277945.1).